The following is an entry in ClinVar:

NM_006019.4(TCIRG1):c.1587C>A (p.Phe529Leu)

Gene: TCIRG1 (T cell immune regulator 1, ATPase H+ transporting V0 subunit a3; plus strand). Cytogenetic location: 11q13.2.
Variant type: single nucleotide variant.
Coding change: c.1587C>A on transcript NM_006019.4 (MANE Select); coding-DNA position 1587, C replaced by A.
Protein change: p.Phe529Leu; replaces phenylalanine 529 with leucine.
Molecular consequence: missense variant.
Genome position (GRCh38, 1-based): chr11:68,048,911, C>A. VCF-style: chr11-68048911-C-A. GRCh37 (hg19) VCF-style: chr11-67816378-C-A.
Other names: c.693C>A, p.Phe231Leu (NM_001351059.2); c.939C>A, p.Phe313Leu (NM_006053.4); short protein forms F231L, F313L, F529L.
Identifiers: ClinVar variation 991174 (VCV000991174.3), dbSNP rs376351835, ClinGen allele CA6147196.
Genomic context (GRCh38, chr11:68,048,911, plus strand): 5'-GTCCAGCCCACCCCTGCTGCCACCCTAGATTTGGAGCCTGGCTGCCAACCACTTGAGCTT[C>A]CTCAACTCCTTCAAGATGAAGATGTCCGTCATCCTGGGCGTCGTGCACATGGCCTTTGGG-3'
Protein context (NP_006010.2, residues 519-539): IWSLAANHLS[Phe529Leu]LNSFKMKMSV

ClinVar aggregate classification (germline): Uncertain significance. Review status: criteria provided, single submitter (1 of 4 stars). 2 submissions from 2 submitters: Uncertain significance (1). 1 of the submissions does not count toward it. Last evaluated 2025-05-18.

Conditions:
Autosomal recessive osteopetrosis 1. Also called: ALBERS-SCHONBERG DISEASE, AUTOSOMAL RECESSIVE; TCIRG1-Related Osteopetrosis; TCIRG1-Related Autosomal Recessive Osteopetrosis. Identifiers: Orphanet 667, MedGen C1850127, MONDO:0009815, OMIM 259700.

Allele frequency attached by ClinVar (database versions not stated): gnomAD exomes 0.00004 and 0.00001; ESP Exome Variant Server 0.00008; gnomAD 0.00001; ExAC 0.00002; TOPMed 0.00002.
gnomAD v4.1: 62 of 1,613,076 alleles (0.0038%); highest among the groups gnomAD compares: Non-Finnish European, 0.0051%; no homozygotes.

Submissions (2):

Labcorp Genetics (formerly Invitae), Labcorp
Classification: Uncertain significance. Last evaluated: 2025-05-18. Review status: criteria provided, single submitter. Criteria: Invitae Variant Classification Sherloc (09022015). Collection method: clinical testing. Allele origin: germline.
Comment: This sequence change replaces phenylalanine, which is neutral and non-polar, with leucine, which is neutral and non-polar, at codon 529 of the TCIRG1 protein (p.Phe529Leu). This variant is present in population databases (rs376351835, gnomAD 0.002%). This variant has not been reported in the literature in individuals affected with TCIRG1-related conditions. ClinVar contains an entry for this variant (Variation ID: 991174). Invitae Evidence Modeling of protein sequence and biophysical properties (such as structural, functional, and spatial information, amino acid conservation, physicochemical variation, residue mobility, and thermodynamic stability) indicates that this missense variant is not expected to disrupt TCIRG1 protein function with a negative predictive value of 80%. In summary, the available evidence is currently insufficient to determine the role of this variant in disease. Therefore, it has been classified as a Variant of Uncertain Significance.

Natera, Inc.
Classification: Uncertain significance for Infantile malignant osteopetrosis. Last evaluated: 2020-04-16. Review status: no assertion criteria provided. Collection method: clinical testing. Allele origin: germline. Not counted in ClinVar's aggregate classification.